The following is an entry in ClinVar:

NM_000038.6(APC):c.7116G>T (p.Gln2372His)

Gene: APC (APC regulator of Wnt signaling pathway; plus strand). Cytogenetic location: 5q22.2.
Variant type: single nucleotide variant.
Coding change: c.7116G>T on transcript NM_000038.6 (MANE Select); coding-DNA position 7116, G replaced by T.
Protein change: p.Gln2372His; replaces glutamine 2372 with histidine.
Molecular consequence: missense variant. On other transcripts: non-coding transcript variant (2).
Genome position (GRCh38, 1-based): chr5:112,842,710, G>T. VCF-style: chr5-112842710-G-T. GRCh37 (hg19) VCF-style: chr5-112178407-G-T.
Other names: c.7116G>T, p.Gln2372His (NM_001127510.3, NM_001354895.2, NM_001407450.1); c.7062G>T, p.Gln2354His (NM_001127511.3); c.7170G>T, p.Gln2390His (NM_001354896.2, NM_001407447.1, NM_001407448.1 and 1 more transcripts); c.7146G>T, p.Gln2382His (NM_001354897.2); c.7041G>T, p.Gln2347His (NM_001354898.2); c.7032G>T, p.Gln2344His (NM_001354899.2); c.6993G>T, p.Gln2331His (NM_001354900.2); c.6939G>T, p.Gln2313His (NM_001354901.2, NM_001407453.1); and 11 more; short protein forms Q2344H, Q2089H, Q2243H, Q2289H, Q2313H, Q2390H, Q2212H, Q2246H.
Identifiers: ClinVar variation 2452694 (VCV002452694.3), dbSNP rs1372802539, ClinGen allele CA16036828.
Genomic context (GRCh38, chr5:112,842,710, plus strand): 5'-TACTGCTTCAACTAAGTCCTCAGGTTCTGGAAAAATGTCATATACATCTCCAGGTAGACA[G>T]ATGAGCCAACAGAACCTTACCAAACAAACAGGTTTATCCAAGAATGCCAGTAGTATTCCA-3'
Protein context (NP_000029.2, residues 2362-2382): GKMSYTSPGR[Gln2372His]MSQQNLTKQT

ClinVar aggregate classification (germline): Uncertain significance (1 of 4 stars; one submission).

Conditions:
Hereditary cancer-predisposing syndrome. Also called: Neoplastic Syndromes, Hereditary; Tumor predisposition; Hereditary neoplastic syndrome; Hereditary Cancer Syndrome. Identifiers: Orphanet 140162, MedGen C0027672, MeSH D009386, MONDO:0015356.

gnomAD v4.1: 1 of 1,613,792 alleles (0.000062%); highest among the groups gnomAD compares: Admixed American, 0.0017%; no homozygotes.

Submission:

Ambry Genetics
Classification: Uncertain significance for Hereditary cancer-predisposing syndrome. Last evaluated: 2025-01-31. Review status: criteria provided, single submitter. Criteria: Ambry Variant Classification Scheme 2023. Collection method: clinical testing. Allele origin: germline.
Comment: The p.Q2372H variant (also known as c.7116G>T), located in coding exon 15 of the APC gene, results from a G to T substitution at nucleotide position 7116. The glutamine at codon 2372 is replaced by histidine, an amino acid with highly similar properties. This amino acid position is conserved. In addition, in silico predictors for this gene do not accurately predict pathogenicity. Since supporting evidence is limited at this time, the clinical significance of this alteration remains unclear.